The following is an entry in ClinVar:

ClinVar aggregate classification (germline): Pathogenic (1 of 4 stars; one submission).
ClinVar aggregate classification (somatic clinical impact): Tier I - Strong (1 of 4 stars; one submission).

Conditions:
DICER1-related tumor predisposition. Also called: DICER1-related pleuropulmonary blastoma cancer predisposition syndrome; DICER1 syndrome. Identifiers: Orphanet 284343, MedGen C3839822, MONDO:0100216.
Follicular thyroid carcinoma. Also called: Thyroid cancer, follicular; Thyroid gland follicular carcinoma. Identifiers: MedGen C0206682, MONDO:0005034, HP:0006731.

Submissions (2):

Institute for Genomic Medicine (IGM) Clinical Laboratory, Nationwide Children's Hospital
Classification: Tier I - Strong for Follicular thyroid carcinoma. Assertion type: diagnostic. Clinical significance: supports diagnosis. Last evaluated: 2023-06-29. Review status: criteria provided, single submitter. Criteria: AMP/ASCO/CAP Guidelines, 2017. Collection method: clinical testing. Allele origin: somatic. Affected: yes.
Comment: Variant has Tier I (strong) clinical significance as a diagnostic inclusion criterion in thyroid gland follicular carcinoma, based on the following evidence: 1) Documented in one or more cancer databases (e.g., St. Jude Pecan, COSMIC, CIViC, OncoKB). 2) Appears in one or more well-established professional guidelines (e.g., World Health Organization [WHO]; National Comprehensive Cancer Network [NCCN]) as providing diagnostic, prognostic, or therapeutic information. 3) Diagnostic for a specific tumor type/classification based on well-powered studies with expert-level consensus (Evidence Level B; PMIDs: 24617712, 32228164, 30260442, 27459524, 33080613).

Foulkes Cancer Genetics LDI, Lady Davis Institute for Medical Research
Classification: Pathogenic for Pleuropulmonary blastoma. Last evaluated: 2019-07-01. Review status: criteria provided, single submitter. Criteria: ACMG Guidelines, 2015. Collection method: curation. Allele origin: somatic. Affected: yes. Observed: 11 variant alleles.
Comment: ACMG criteria met: PS3, PM1, PM2, PM7, PP3, PP4, BP1

Literature cited by the submitters: PubMed 24617712 (cited by Institute for Genomic Medicine (IGM) Clinical Laboratory, Nationwide Children's Hospital); PubMed 32228164 (cited by Institute for Genomic Medicine (IGM) Clinical Laboratory, Nationwide Children's Hospital); PubMed 30260442 (cited by Institute for Genomic Medicine (IGM) Clinical Laboratory, Nationwide Children's Hospital and Foulkes Cancer Genetics LDI, Lady Davis Institute for Medical Research); PubMed 27459524 (cited by Institute for Genomic Medicine (IGM) Clinical Laboratory, Nationwide Children's Hospital); PubMed 33080613 (cited by Institute for Genomic Medicine (IGM) Clinical Laboratory, Nationwide Children's Hospital); PubMed 23728841 (cited by Foulkes Cancer Genetics LDI, Lady Davis Institute for Medical Research); PubMed 28323992 (cited by Foulkes Cancer Genetics LDI, Lady Davis Institute for Medical Research); PubMed 24136150 (cited by Foulkes Cancer Genetics LDI, Lady Davis Institute for Medical Research); PubMed 28654427 (cited by Foulkes Cancer Genetics LDI, Lady Davis Institute for Medical Research); PubMed 29187512 (cited by Foulkes Cancer Genetics LDI, Lady Davis Institute for Medical Research); PubMed 29037807 (cited by Foulkes Cancer Genetics LDI, Lady Davis Institute for Medical Research); PubMed 23620094 (cited by Foulkes Cancer Genetics LDI, Lady Davis Institute for Medical Research).

NM_177438.3(DICER1):c.5429A>T (p.Asp1810Val)

Gene: DICER1 (dicer 1, ribonuclease III; minus strand). Cytogenetic location: 14q32.13.
Variant type: single nucleotide variant.
Coding change: c.5429A>T on transcript NM_177438.3 (MANE Select); coding-DNA position 5429, A replaced by T.
Protein change: p.Asp1810Val; replaces aspartic acid 1810 with valine.
Molecular consequence: missense variant. On other transcripts: intron variant (1).
Genome position (GRCh38, 1-based): chr14:95,091,301, T>A on the plus strand (A>T on the coding strand, the complement: DICER1 is on the minus strand). VCF-style: chr14-95091301-T-A. GRCh37 (hg19) VCF-style: chr14-95557638-T-A.
Other names: c.5429A>T, p.Asp1810Val (NM_001271282.3, NM_001291628.2, NM_030621.4); c.5365-192A>T (NM_001195573.1); short protein forms D1810V.
Identifiers: ClinVar variation 933086 (VCV000933086.4), dbSNP rs1889808547, ClinGen allele CA390864674.